The following is an entry in ClinVar:

ClinVar aggregate classification (germline): Uncertain significance. Review status: criteria provided, multiple submitters, no conflicts (2 of 4 stars). 2 submissions from 2 submitters: Uncertain significance (2). Last evaluated 2026-05-29.

Conditions:
Inborn genetic diseases. Identifiers: MedGen C0950123, MeSH D030342.

Submissions (2):

GeneDx
Classification: Uncertain significance. Last evaluated: 2026-05-29. Review status: criteria provided, single submitter. Criteria: GeneDx Variant Classification Process June 2021. Collection method: clinical testing. Allele origin: germline.
Comment: Not observed at significant frequency in large population cohorts (gnomAD); In silico analysis indicates that this missense variant does not alter protein structure/function; Has not been previously published as pathogenic or benign to our knowledge

Ambry Genetics
Classification: Uncertain significance for Inborn genetic diseases. Last evaluated: 2019-02-09. Review status: criteria provided, single submitter. Criteria: Ambry Variant Classification Scheme 2023. Collection method: clinical testing. Allele origin: germline.
Comment: The p.Y1437C variant (also known as c.4310A>G), located in coding exon 15 of the IQSEC2 gene, results from an A to G substitution at nucleotide position 4310. The tyrosine at codon 1437 is replaced by cysteine, an amino acid with highly dissimilar properties. This amino acid position is well conserved in available vertebrate species. In addition, this alteration is predicted to be tolerated by in silico analysis. Since supporting evidence is limited at this time, the clinical significance of this alteration remains unclear.

NM_001111125.3(IQSEC2):c.4310A>G (p.Tyr1437Cys)

Gene: IQSEC2 (IQ motif and Sec7 domain ArfGEF 2; minus strand). Cytogenetic location: Xp11.22.
Variant type: single nucleotide variant.
Coding change: c.4310A>G on transcript NM_001111125.3 (MANE Select); coding-DNA position 4310, A replaced by G.
Protein change: p.Tyr1437Cys; replaces tyrosine 1437 with cysteine.
Molecular consequence: missense variant. On other transcripts: 3 prime UTR variant (1).
Genome position (GRCh38, 1-based): chrX:53,234,376, T>C on the plus strand (A>G on the coding strand, the complement: IQSEC2 is on the minus strand). VCF-style: chrX-53234376-T-C. GRCh37 (hg19) VCF-style: chrX-53263558-T-C.
Other names: c.4310A>G (NM_001111125.1); c.*795A>G (NM_001410736.1, NM_015075.2); short protein forms Y1437C.
Identifiers: ClinVar variation 1739633 (VCV001739633.4), dbSNP rs1602256501, ClinGen allele CA413138736.